The following is an entry in ClinVar:

NM_000088.4(COL1A1):c.3053C>T (p.Pro1018Leu)

Gene: COL1A1 (collagen type I alpha 1 chain; minus strand). Cytogenetic location: 17q21.33.
Variant type: single nucleotide variant.
Coding change: c.3053C>T on transcript NM_000088.4 (MANE Select); coding-DNA position 3053, C replaced by T.
Protein change: p.Pro1018Leu; replaces proline 1018 with leucine.
Molecular consequence: missense variant.
Genome position (GRCh38, 1-based): chr17:50,188,788, G>A on the plus strand (C>T on the coding strand, the complement: COL1A1 is on the minus strand). VCF-style: chr17-50188788-G-A. GRCh37 (hg19) VCF-style: chr17-48266149-G-A.
Other names: short protein forms P1018L.
Identifiers: ClinVar variation 3682546 (VCV003682546.2).

ClinVar aggregate classification (germline): Uncertain significance (1 of 4 stars; one submission).

Conditions:
Osteogenesis imperfecta type I (OI1). Also called: OI, TYPE I; OSTEOGENESIS IMPERFECTA TARDA; OSTEOGENESIS IMPERFECTA WITH BLUE SCLERAE; Osteogenesis imperfecta type 1; Lobstein's Disease; Lobstein disease. Identifiers: Orphanet 216796, Orphanet 666, MedGen C0023931, MONDO:0008146, OMIM 166200. Disease mechanism: loss of function.

gnomAD v4.1: 2 of 1,614,038 alleles (0.00012%); highest among the groups gnomAD compares: Non-Finnish European, 0.00017%; no homozygotes.

Submission:

Labcorp Genetics (formerly Invitae), Labcorp
Classification: Uncertain significance for Osteogenesis imperfecta type I. Last evaluated: 2024-08-28. Review status: criteria provided, single submitter. Criteria: Invitae Variant Classification Sherloc (09022015). Collection method: clinical testing. Allele origin: germline.
Comment: This sequence change replaces proline, which is neutral and non-polar, with leucine, which is neutral and non-polar, at codon 1018 of the COL1A1 protein (p.Pro1018Leu). This variant is not present in population databases (gnomAD no frequency). This variant has not been reported in the literature in individuals affected with COL1A1-related conditions. Invitae Evidence Modeling of protein sequence and biophysical properties (such as structural, functional, and spatial information, amino acid conservation, physicochemical variation, residue mobility, and thermodynamic stability) indicates that this missense variant is expected to disrupt COL1A1 protein function with a positive predictive value of 95%. In summary, the available evidence is currently insufficient to determine the role of this variant in disease. Therefore, it has been classified as a Variant of Uncertain Significance.